The following is an entry in ClinVar:

NM_001111.5(ADAR):c.2612C>T (p.Ala871Val)

Genes: ADAR (adenosine deaminase RNA specific; minus strand), LOC126805874 (CDK7 strongly-dependent group 2 enhancer GRCh37_chr1:154561176-154562375; plus strand). Cytogenetic location: 1q21.3.
Variant type: single nucleotide variant.
Coding change: c.2612C>T on transcript NM_001111.5 (MANE Select); coding-DNA position 2612, C replaced by T.
Protein change: p.Ala871Val; replaces alanine 871 with valine.
Molecular consequence: missense variant.
Genome position (GRCh38, 1-based): chr1:154,589,813, G>A on the plus strand (C>T on the coding strand, the complement: ADAR is on the minus strand). VCF-style: chr1-154589813-G-A. GRCh37 (hg19) VCF-style: chr1-154562289-G-A.
Other names: c.1727C>T, p.Ala576Val (NM_001025107.3, NM_001193495.2, NM_001365046.1 and 2 more transcripts); c.2639C>T, p.Ala880Val (NM_001365045.1); c.1649C>T, p.Ala550Val (NM_001365049.1); c.2534C>T, p.Ala845Val (NM_015840.4); c.2477C>T, p.Ala826Val (NM_015841.4); short protein forms A880V, A576V, A871V, A550V, A826V, A845V.
Identifiers: ClinVar variation 1370380 (VCV001370380.8), dbSNP rs748430309, ClinGen allele CA1131216.

ClinVar aggregate classification (germline): Uncertain significance (1 of 4 stars; one submission).

Conditions:
Aicardi-Goutieres syndrome 6 (AGS6). Identifiers: Orphanet 51, MedGen C3539013, MONDO:0014007, OMIM 615010.
Symmetrical dyschromatosis of extremities (DSH). Also called: Dyschromatosis symmetrica hereditaria; DYSCHROMATOSIS SYMMETRICA HEREDITARIA 1; RETICULATE ACROPIGMENTATION OF DOHI; SYMMETRIC DYSCHROMATOSIS OF THE EXTREMITIES. Identifiers: Orphanet 41, MedGen C0406775, MONDO:0007483, OMIM 127400.

Allele frequency attached by ClinVar (database versions not stated): ExAC 0.00001.
gnomAD v4.1: 1 of 1,614,042 alleles (0.000062%); no homozygotes.

Submission:

Labcorp Genetics (formerly Invitae), Labcorp
Classification: Uncertain significance for Aicardi-Goutieres syndrome 6; Symmetrical dyschromatosis of extremities. Last evaluated: 2024-07-24. Review status: criteria provided, single submitter. Criteria: Invitae Variant Classification Sherloc (09022015). Collection method: clinical testing. Allele origin: germline.
Comment: This sequence change replaces alanine, which is neutral and non-polar, with valine, which is neutral and non-polar, at codon 871 of the ADAR protein (p.Ala871Val). This variant is present in population databases (rs748430309, gnomAD no frequency). This variant has not been reported in the literature in individuals affected with ADAR-related conditions. ClinVar contains an entry for this variant (Variation ID: 1370380). Advanced modeling of protein sequence and biophysical properties (such as structural, functional, and spatial information, amino acid conservation, physicochemical variation, residue mobility, and thermodynamic stability) has been performed at Invitae for this missense variant, however the output from this modeling did not meet the statistical confidence thresholds required to predict the impact of this variant on ADAR protein function. In summary, the available evidence is currently insufficient to determine the role of this variant in disease. Therefore, it has been classified as a Variant of Uncertain Significance.